The following is an entry in ClinVar:

ClinVar aggregate classification (germline): Conflicting classifications of pathogenicity. Review status: criteria provided, conflicting classifications (1 of 4 stars). 4 submissions from 4 submitters: Uncertain significance (3); Likely benign (1). Last evaluated 2026-06-03.

Conditions:
Hereditary diffuse gastric adenocarcinoma (HDGC). Also called: DIFFUSE GASTRIC AND LOBULAR BREAST CANCER SYNDROME. Identifiers: Orphanet 26106, MedGen C1708349, MONDO:0007648, OMIM 137215.
Hereditary cancer-predisposing syndrome. Also called: Tumor predisposition; Hereditary Cancer Syndrome; Neoplastic Syndromes, Hereditary; Hereditary neoplastic syndrome. Identifiers: Orphanet 140162, MedGen C0027672, MeSH D009386, MONDO:0015356.

Submissions (4):

Ambry Genetics
Classification: Likely benign for Hereditary cancer-predisposing syndrome. Last evaluated: 2026-06-03. Review status: criteria provided, single submitter. Criteria: Ambry Variant Classification Scheme 2023. Collection method: clinical testing. Allele origin: germline.

Center for Genomic Medicine, Rigshospitalet, Copenhagen University Hospital
Classification: Uncertain significance. Last evaluated: 2025-12-29. Review status: criteria provided, single submitter. Criteria: ACMG Guidelines, 2015. Collection method: clinical testing. Allele origin: germline.

GeneDx
Classification: Uncertain significance. Last evaluated: 2022-06-08. Review status: criteria provided, single submitter. Criteria: GeneDx Variant Classification Process June 2021. Collection method: clinical testing. Allele origin: germline. Affected: yes.
Comment: Not observed at significant frequency in large population cohorts (gnomAD); In silico analysis supports that this missense variant does not alter protein structure/function; Has not been previously published as pathogenic or benign to our knowledge; This variant is associated with the following publications: (PMID: 15235021, 22850631)

Labcorp Genetics (formerly Invitae), Labcorp
Classification: Uncertain significance for Hereditary diffuse gastric adenocarcinoma. Last evaluated: 2018-12-19. Review status: criteria provided, single submitter. Criteria: Invitae Variant Classification Sherloc (09022015). Collection method: clinical testing. Allele origin: germline.
Comment: In summary, the available evidence is currently insufficient to determine the role of this variant in disease. Therefore, it has been classified as a Variant of Uncertain Significance. Algorithms developed to predict the effect of missense changes on protein structure and function (SIFT, PolyPhen-2, Align-GVGD) all suggest that this variant is likely to be tolerated, but these predictions have not been confirmed by published functional studies and their clinical significance is uncertain. This variant has not been reported in the literature in individuals with CDH1-related conditions. This variant is not present in population databases (ExAC no frequency). This sequence change replaces aspartic acid with glutamic acid at codon 644 of the CDH1 protein (p.Asp644Glu). The aspartic acid residue is moderately conserved and there is a small physicochemical difference between aspartic acid and glutamic acid.

NM_004360.5(CDH1):c.1932C>A (p.Asp644Glu)

Gene: CDH1 (cadherin 1; plus strand). Cytogenetic location: 16q22.1.
Variant type: single nucleotide variant.
Coding change: c.1932C>A on transcript NM_004360.5 (MANE Select); coding-DNA position 1932, C replaced by A.
Protein change: p.Asp644Glu; replaces aspartic acid 644 with glutamic acid.
Molecular consequence: missense variant. On other transcripts: 5 prime UTR variant (1).
Genome position (GRCh38, 1-based): chr16:68,822,221, C>A. VCF-style: chr16-68822221-C-A. GRCh37 (hg19) VCF-style: chr16-68856124-C-A.
Other names: c.1932C>A (LRG_301t1); c.1749C>A, p.Asp583Glu (NM_001317184.2); c.384C>A, p.Asp128Glu (NM_001317185.2); c.-34C>A (NM_001317186.2); short protein forms D128E, D583E, D644E.
Identifiers: ClinVar variation 663459 (VCV000663459.14), dbSNP rs1596963973, ClinGen allele CA396467280.